The following is an entry in ClinVar:

NM_000400.4(ERCC2):c.655G>C (p.Asp219His)

Gene: ERCC2 (ERCC excision repair 2, TFIIH core complex helicase subunit; minus strand). Cytogenetic location: 19q13.32.
Variant type: single nucleotide variant.
Coding change: c.655G>C on transcript NM_000400.4 (MANE Select); coding-DNA position 655, G replaced by C.
Protein change: p.Asp219His; replaces aspartic acid 219 with histidine.
Molecular consequence: missense variant.
Genome position (GRCh38, 1-based): chr19:45,364,487, C>G on the plus strand (G>C on the coding strand, the complement: ERCC2 is on the minus strand). VCF-style: chr19-45364487-C-G. GRCh37 (hg19) VCF-style: chr19-45867745-C-G.
Other names: c.583G>C, p.Asp195His (NM_001130867.2); short protein forms D219H, D195H.
Identifiers: ClinVar variation 3509901 (VCV003509901.1).

ClinVar aggregate classification (germline): Uncertain significance (1 of 4 stars; one submission).

Conditions:
Inborn genetic diseases. Identifiers: MedGen C0950123, MeSH D030342.

Submission:

Ambry Genetics
Classification: Uncertain significance for Inborn genetic diseases. Last evaluated: 2024-11-12. Review status: criteria provided, single submitter. Criteria: Ambry Variant Classification Scheme 2023. Collection method: clinical testing. Allele origin: germline.
Comment: The p.D219H variant (also known as c.655G>C), located in coding exon 8 of the ERCC2 gene, results from a G to C substitution at nucleotide position 655. The aspartic acid at codon 219 is replaced by histidine, an amino acid with similar properties. This amino acid position is conserved. In addition, the in silico prediction for this alteration is inconclusive. Based on the available evidence, the clinical significance of this variant remains unclear.